The following is an entry in ClinVar:

NM_001372.4(DNAH9):c.1518+4G>C

Gene: DNAH9 (dynein axonemal heavy chain 9; plus strand). Cytogenetic location: 17p12.
Variant type: single nucleotide variant.
Coding change: c.1518+4G>C on transcript NM_001372.4 (MANE Select); 4 bases into the intron after coding-DNA position 1518, G replaced by C.
Molecular consequence: intron variant.
Genome position (GRCh38, 1-based): chr17:11,629,588, G>C. VCF-style: chr17-11629588-G-C. GRCh37 (hg19) VCF-style: chr17-11532905-G-C.
Identifiers: ClinVar variation 3718197 (VCV003718197.1).

ClinVar aggregate classification (germline): Uncertain significance (1 of 4 stars; one submission).

gnomAD v4.1: 21 of 1,611,474 alleles (0.0013%); highest among the groups gnomAD compares: Admixed American, 0.035%; no homozygotes.

Submission:

Labcorp Genetics (formerly Invitae), Labcorp
Classification: Uncertain significance. Last evaluated: 2024-02-28. Review status: criteria provided, single submitter. Criteria: Invitae Variant Classification Sherloc (09022015). Collection method: clinical testing. Allele origin: germline.
Comment: This sequence change falls in intron 7 of the DNAH9 gene. It does not directly change the encoded amino acid sequence of the DNAH9 protein. It affects a nucleotide within the consensus splice site. This variant is present in population databases (rs778802993, gnomAD 0.02%). This variant has not been reported in the literature in individuals affected with DNAH9-related conditions. Variants that disrupt the consensus splice site are a relatively common cause of aberrant splicing (PMID: 17576681, 9536098). Algorithms developed to predict the effect of sequence changes on RNA splicing suggest that this variant is not likely to affect RNA splicing. In summary, the available evidence is currently insufficient to determine the role of this variant in disease. Therefore, it has been classified as a Variant of Uncertain Significance.

Literature cited by the submitters: PubMed 17576681; PubMed 9536098.